The following is an entry in ClinVar:

ClinVar aggregate classification (germline): Uncertain significance. Review status: criteria provided, multiple submitters, no conflicts (2 of 4 stars). 2 submissions from 2 submitters: Uncertain significance (2). Last evaluated 2025-05-27.

Conditions:
Hereditary cancer-predisposing syndrome. Also called: Tumor predisposition; Hereditary Cancer Syndrome; Hereditary neoplastic syndrome; Neoplastic Syndromes, Hereditary. Identifiers: Orphanet 140162, MedGen C0027672, MeSH D009386, MONDO:0015356.
Breast and/or ovarian cancer. Identifiers: MedGen CN221562.

Submissions (2):

Ambry Genetics
Classification: Uncertain significance for Hereditary cancer-predisposing syndrome. Last evaluated: 2025-05-27. Review status: criteria provided, single submitter. Criteria: Ambry Variant Classification Scheme 2023. Collection method: clinical testing. Allele origin: germline.
Comment: The c.6481_6489delGACAAACAA variant (also known as p.D2161_Q2163del) is located in coding exon 10 of the BRCA2 gene. This variant results from an in-frame GACAAACAA deletion at nucleotide positions 6481 to 6489. This results in the in-frame deletion of 3 amino acids (DKQ) at codons 2161 to 2163. These amino acid positions are not well conserved in available vertebrate species. In addition, the in silico prediction for this variant is inconclusive (Choi Y et al. PLoS ONE. 2012; 7(10):e46688). Based on the available evidence, the clinical significance of this variant remains unclear.

CHEO Genetics Diagnostic Laboratory, Children's Hospital of Eastern Ontario
Classification: Uncertain significance for Breast and/or ovarian cancer. Last evaluated: 2021-07-07. Review status: criteria provided, single submitter. Criteria: ACMG Guidelines, 2015. Collection method: clinical testing. Allele origin: germline.

NM_000059.4(BRCA2):c.6481_6489del (p.Asp2161_Gln2163del)

Gene: BRCA2 (BRCA2 DNA repair associated; plus strand). Cytogenetic location: 13q13.1.
Variant type: Deletion.
Coding change: c.6481_6489del on transcript NM_000059.4 (MANE Select); coding-DNA positions 6481 to 6489, 9 bases deleted (GACAAACAA; older notation c.6481_6489delGACAAACAA).
Protein change: p.Asp2161_Gln2163del.
Molecular consequence: inframe deletion. On other transcripts: inframe indel (2).
Genome position (GRCh38, 1-based): chr13:32,340,836-32,340,844, GACAAACAA deleted; deleting any 9 consecutive bases within chr13:32,340,831-32,340,844 gives the same sequence; the c. name uses the placement nearest the transcript's 3' end. VCF-style (leftmost placement, unchanged base first): chr13-32340830-CAACAAGACA-C. GRCh37 (hg19) VCF-style: chr13-32914967-CAACAAGACA-C.
Other names: c.6481_6489delGACAAACAA, p.Asp2161_Gln2163del (NM_001406719.1, NM_001406720.1).
Identifiers: ClinVar variation 2442955 (VCV002442955.3), dbSNP rs2548533422, ClinGen allele CA2580087916.